The following is an entry in ClinVar:

ClinVar aggregate classification (germline): Conflicting classifications of pathogenicity. Review status: criteria provided, conflicting classifications (1 of 4 stars). 6 submissions from 6 submitters: Uncertain significance (1); Likely benign (5). Last evaluated 2026-05-18.

Conditions:
Familial sleep-related hypermotor epilepsy. Also called: Autosomal Dominant Sleep-Related Hypermotor (Hyperkinetic) Epilepsy. Identifiers: Orphanet 98784, MedGen C3696898, MONDO:0000030.
Inborn genetic diseases. Identifiers: MedGen C0950123, MeSH D030342.

Allele frequency attached by ClinVar (database versions not stated): gnomAD exomes 0.00009 and 0.00016; TOPMed 0.00010; gnomAD 0.00011; ExAC 0.00012; 1000 Genomes Project 30x 0.00016; 1000 Genomes Project 0.00020; ESP Exome Variant Server 0.00031.
gnomAD v4.1: 240 of 1,612,838 alleles (0.015%); highest among the groups gnomAD compares: Non-Finnish European, 0.02%; no homozygotes.

Submissions (6):

Ambry Genetics
Classification: Likely benign for Inborn genetic diseases. Last evaluated: 2026-05-18. Review status: criteria provided, single submitter. Criteria: Ambry Variant Classification Scheme 2023. Collection method: clinical testing. Allele origin: germline.

Labcorp Genetics (formerly Invitae), Labcorp
Classification: Likely benign. Last evaluated: 2025-12-02. Review status: criteria provided, single submitter. Criteria: Invitae Variant Classification Sherloc (09022015). Collection method: clinical testing. Allele origin: germline.

CeGaT Center for Human Genetics Tuebingen
Classification: Likely benign. Last evaluated: 2025-03-01. Review status: criteria provided, single submitter. Criteria: CeGaT Center For Human Genetics Tuebingen Variant Classification Criteria Version 2. Collection method: clinical testing. Allele origin: germline. Affected: yes. Observed: 2 variant alleles.
Comment: CHRNA4: BP4

Blueprint Genetics
Classification: Likely benign. Last evaluated: 2024-03-19. Review status: criteria provided, single submitter. Criteria: ACMG Guidelines, 2015. Collection method: clinical testing. Allele origin: germline.

GeneDx
Classification: Likely benign. Last evaluated: 2019-01-29. Review status: criteria provided, single submitter. Criteria: GeneDx Variant Classification Process June 2021. Collection method: clinical testing. Allele origin: germline. Affected: yes.
Comment: This variant is associated with the following publications: (PMID: 19628475)

Eurofins Ntd Llc (ga)
Classification: Uncertain significance. Last evaluated: 2015-10-16. Review status: criteria provided, single submitter. Criteria: EGL Classification Definitions 2015. Collection method: clinical testing. Allele origin: germline. Observed: 1 variant allele, 1 heterozygote.

NM_000744.7(CHRNA4):c.1715A>G (p.Gln572Arg)

Gene: CHRNA4 (cholinergic receptor nicotinic alpha 4 subunit; minus strand). Cytogenetic location: 20q13.33.
Variant type: single nucleotide variant.
Coding change: c.1715A>G on transcript NM_000744.7 (MANE Select); coding-DNA position 1715, A replaced by G.
Protein change: p.Gln572Arg; replaces glutamine 572 with arginine.
Molecular consequence: missense variant. On other transcripts: non-coding transcript variant (1).
Genome position (GRCh38, 1-based): chr20:63,349,696, T>C on the plus strand (A>G on the coding strand, the complement: CHRNA4 is on the minus strand). VCF-style: chr20-63349696-T-C. GRCh37 (hg19) VCF-style: chr20-61981048-T-C.
Other names: p.Q572R:CAG>CGG; c.1187A>G, p.Gln396Arg (NM_001256573.2); short protein forms Q572R, Q396R.
Identifiers: ClinVar variation 205037 (VCV000205037.48), dbSNP rs113794453, ClinGen allele CA313593.